The following is an entry in ClinVar:

NM_138420.4(AHNAK2):c.9580G>C (p.Glu3194Gln)

Gene: AHNAK2 (AHNAK nucleoprotein 2; minus strand). Cytogenetic location: 14q32.33.
Variant type: single nucleotide variant.
Coding change: c.9580G>C on transcript NM_138420.4 (MANE Select); coding-DNA position 9580, G replaced by C.
Protein change: p.Glu3194Gln; replaces glutamic acid 3194 with glutamine.
Molecular consequence: missense variant.
Genome position (GRCh38, 1-based): chr14:104,945,871, C>G on the plus strand (G>C on the coding strand, the complement: AHNAK2 is on the minus strand). VCF-style: chr14-104945871-C-G. GRCh37 (hg19) VCF-style: chr14-105412208-C-G.
Other names: c.9280G>C, p.Glu3094Gln (NM_001350929.2); short protein forms E3094Q, E3194Q.
Identifiers: ClinVar variation 3778004 (VCV003778004.7).

ClinVar aggregate classification (germline): Benign (1 of 4 stars; one submission).

Submission:

CeGaT Center for Human Genetics Tuebingen
Classification: Benign. Last evaluated: 2025-03-01. Review status: criteria provided, single submitter. Criteria: CeGaT Center For Human Genetics Tuebingen Variant Classification Criteria Version 2. Collection method: clinical testing. Allele origin: germline. Affected: yes. Observed: 1 variant allele.
Comment: AHNAK2: BP4, BS1, BS2